The following is an entry in ClinVar:

ClinVar aggregate classification (germline): Benign/Likely benign. Review status: criteria provided, multiple submitters, no conflicts (2 of 4 stars). 11 submissions from 11 submitters: Benign (2); Likely benign (5). 4 of the submissions do not count toward it. Last evaluated 2026-07-01.

Conditions:
ALG9-related disorder. Also called: ALG9-related condition.
ALG9 congenital disorder of glycosylation (CDG1L). Also called: CDG Il; CONGENITAL DISORDER OF GLYCOSYLATION, TYPE Il; ALG9-CDG. Identifiers: Orphanet 79328, MedGen C2931006, MONDO:0012117, OMIM 608776.
Gillessen-Kaesbach-Nishimura syndrome (GIKANIS). Identifiers: MedGen C1849762, MONDO:0009890, OMIM 263210.

Allele frequency attached by ClinVar (database versions not stated): gnomAD exomes 0.00257 and 0.00352; gnomAD 0.00186 and 0.00201; 1000 Genomes Project 0.00240; 1000 Genomes Project 30x 0.00250; ESP Exome Variant Server 0.00151; TOPMed 0.00190; ExAC 0.00268.
gnomAD v4.1: 5,437 of 1,614,054 alleles (0.34%); highest among the groups gnomAD compares: South Asian, 0.67%; 18 homozygotes.

Submissions (11):

CeGaT Center for Human Genetics Tuebingen
Classification: Likely benign. Last evaluated: 2026-07-01. Review status: criteria provided, single submitter. Criteria: CeGaT Center For Human Genetics Tuebingen Variant Classification Criteria Version 2. Collection method: clinical testing. Allele origin: germline. Affected: yes. Observed: 8 variant alleles.
Comment: ALG9: BS2

Labcorp Genetics (formerly Invitae), Labcorp
Classification: Likely benign for ALG9 congenital disorder of glycosylation. Last evaluated: 2026-01-31. Review status: criteria provided, single submitter. Criteria: Invitae Variant Classification Sherloc (09022015). Collection method: clinical testing. Allele origin: germline.

Athena Diagnostics
Classification: Benign. Last evaluated: 2024-06-04. Review status: criteria provided, single submitter. Criteria: Athena Diagnostics Criteria. Collection method: clinical testing. Allele origin: unknown.

Fulgent Genetics
Classification: Likely benign for Gillessen-Kaesbach-Nishimura syndrome; ALG9 congenital disorder of glycosylation. Last evaluated: 2021-12-07. Review status: criteria provided, single submitter. Criteria: ACMG Guidelines, 2015. Collection method: clinical testing. Allele origin: unknown.

GeneDx
Classification: Likely benign. Last evaluated: 2018-04-26. Review status: criteria provided, single submitter. Criteria: GeneDx Variant Classification Process June 2021. Collection method: clinical testing. Allele origin: germline. Affected: yes.

Eurofins Ntd Llc (ga)
Classification: Benign. Last evaluated: 2014-03-10. Review status: criteria provided, single submitter. Criteria: EGL Classification Definitions 2015. Collection method: clinical testing. Allele origin: germline. Observed: 1 variant allele, 1 heterozygote.

Breakthrough Genomics
Classification: Likely benign. Review status: criteria provided, single submitter. Criteria: ACMG Guidelines, 2015. Collection method: not provided. Allele origin: germline. Inheritance: Autosomal recessive inheritance. Affected: yes.

Genetic Services Laboratory, University of Chicago
Classification: Likely benign. Last evaluated: 2022-06-13. Review status: no assertion criteria provided. Collection method: clinical testing. Allele origin: germline. Affected: no. Not counted in ClinVar's aggregate classification.

PreventionGenetics, part of Exact Sciences
Classification: Likely benign for ALG9-related condition. Last evaluated: 2020-06-01. Review status: no assertion criteria provided. Collection method: clinical testing. Allele origin: germline. Not counted in ClinVar's aggregate classification.
Comment: This variant is classified as likely benign based on ACMG/AMP sequence variant interpretation guidelines (Richards et al. 2015 PMID: 25741868, with internal and published modifications).

Clinical Genetics DNA and cytogenetics Diagnostics Lab, Erasmus MC, Erasmus Medical Center
Classification: Likely benign. Review status: no assertion criteria provided. Collection method: clinical testing. Allele origin: germline. Affected: yes. Study: VKGL Data-share Consensus. Not counted in ClinVar's aggregate classification.

Laboratory of Diagnostic Genome Analysis, Leiden University Medical Center (LUMC)
Classification: Likely benign. Review status: no assertion criteria provided. Collection method: clinical testing. Allele origin: germline. Affected: yes. Study: VKGL Data-share Consensus. Not counted in ClinVar's aggregate classification.

NM_024740.2(ALG9):c.1538C>T (p.Pro513Leu)

Gene: ALG9 (ALG9 alpha-1,2-mannosyltransferase; minus strand). Cytogenetic location: 11q23.1.
Variant type: single nucleotide variant.
Coding change: c.1538C>T on transcript NM_024740.2 (MANE Select); coding-DNA position 1538, C replaced by T.
Protein change: p.Pro513Leu; replaces proline 513 with leucine.
Molecular consequence: missense variant. On other transcripts: non-coding transcript variant (1).
Genome position (GRCh38, 1-based): chr11:111,836,229, G>A on the plus strand (C>T on the coding strand, the complement: ALG9 is on the minus strand). VCF-style: chr11-111836229-G-A. GRCh37 (hg19) VCF-style: chr11-111706952-G-A.
Other names: c.1517C>T, p.Pro506Leu (NM_001077690.1, NM_001352417.1); c.1025C>T, p.Pro342Leu (NM_001077691.2, NM_001352413.1, NM_001352414.2 and 1 more transcripts); c.1004C>T, p.Pro335Leu (NM_001077692.2, NM_001352409.1, NM_001352410.1 and 6 more transcripts); c.1394C>T, p.Pro465Leu (NM_001352418.1); c.929C>T, p.Pro310Leu (NM_001352422.2); c.881C>T, p.Pro294Leu (NM_001352423.2); short protein forms P513L, P342L, P465L, P506L, P294L, P310L, P335L.
Identifiers: ClinVar variation 166678 (VCV000166678.47), dbSNP rs185149177, ClinGen allele CA179732.
Genomic context (GRCh38, chr11:111,836,229, plus strand): 5'-CTGGATGGCTCTTCTAGATTCTGGTCATTCATGTCAGTAGGAACAATCCGGGTGGCCAGA[G>A]GTCCTTCTGCAAAAGGTTTTGGTAACTGACCTCTGAACTCTGATGGAATGAACTGAAGCT-3'
Protein context (NP_079016.2, residues 503-523): GQLPKPFAEG[Pro513Leu]LATRIVPTDM